The following is an entry in ClinVar:

ClinVar aggregate classification (germline): Uncertain significance. Review status: criteria provided, multiple submitters, no conflicts (2 of 4 stars). 2 submissions from 2 submitters: Uncertain significance (2). Last evaluated 2025-06-22.

Allele frequency attached by ClinVar (database versions not stated): gnomAD exomes 0.00001; TOPMed 0.00002; ESP Exome Variant Server 0.00015.
gnomAD v4.1: 12 of 1,614,058 alleles (0.00074%); highest among the groups gnomAD compares: Middle Eastern, 0.016%; no homozygotes.

Submissions (2):

Ambry Genetics
Classification: Uncertain significance. Last evaluated: 2025-06-22. Review status: criteria provided, single submitter. Criteria: Ambry Variant Classification Scheme 2023. Collection method: clinical testing. Allele origin: germline.

Labcorp Genetics (formerly Invitae), Labcorp
Classification: Uncertain significance. Last evaluated: 2024-08-28. Review status: criteria provided, single submitter. Criteria: Invitae Variant Classification Sherloc (09022015). Collection method: clinical testing. Allele origin: germline.
Comment: This sequence change replaces serine, which is neutral and polar, with threonine, which is neutral and polar, at codon 97 of the KANK1 protein (p.Ser97Thr). This variant is present in population databases (rs375587833, gnomAD 0.002%). This variant has not been reported in the literature in individuals affected with KANK1-related conditions. ClinVar contains an entry for this variant (Variation ID: 2386656). An algorithm developed to predict the effect of missense changes on protein structure and function (PolyPhen-2) suggests that this variant is likely to be disruptive. In summary, the available evidence is currently insufficient to determine the role of this variant in disease. Therefore, it has been classified as a Variant of Uncertain Significance.

NM_015158.5(KANK1):c.290G>C (p.Ser97Thr)

Gene: KANK1 (KN motif and ankyrin repeat domains 1; plus strand). Cytogenetic location: 9p24.3.
Variant type: single nucleotide variant.
Coding change: c.290G>C on transcript NM_015158.5 (MANE Select); coding-DNA position 290, G replaced by C.
Protein change: p.Ser97Thr; replaces serine 97 with threonine.
Molecular consequence: missense variant. On other transcripts: 5 prime UTR variant (12), non-coding transcript variant (1).
Genome position (GRCh38, 1-based): chr9:711,056, G>C. VCF-style: chr9-711056-G-C. GRCh37 (hg19) VCF-style: chr9-711056-G-C.
Other names: c.290G>C, p.Ser97Thr (NM_001256876.3, NM_001256877.3, NM_001354331.2 and 2 more transcripts); c.-185G>C (NM_001354333.2, NM_001354335.2, NM_001354336.2 and 9 more transcripts); short protein forms S97T.
Identifiers: ClinVar variation 2386656 (VCV002386656.5), dbSNP rs375587833, ClinGen allele CA4959905.
Genomic context (GRCh38, chr9:711,056, plus strand): 5'-GGACCACATCTGGTCAGCAAGGTATATGGACTTCCACTGAATCCCTCTCATCCTCCAACA[G>C]TGATGACAACAAGCAGTGCCCCAACTTCCTCATAGCCAGAAGTCAAGTTACATCAACTCC-3'
Protein context (NP_055973.2, residues 87-107): TSTESLSSSN[Ser97Thr]DDNKQCPNFL